The following is an entry in ClinVar:

ClinVar aggregate classification (germline): Likely pathogenic (1 of 4 stars; one submission).

Allele frequency attached by ClinVar (database versions not stated): ExAC 0.00001.
gnomAD v4.1: 1 of 1,603,262 alleles (0.000062%); highest among the groups gnomAD compares: Non-Finnish European, 0.000085%; no homozygotes.

Submission:

Labcorp Genetics (formerly Invitae), Labcorp
Classification: Likely pathogenic. Last evaluated: 2021-08-23. Review status: criteria provided, single submitter. Criteria: Invitae Variant Classification Sherloc (09022015). Collection method: clinical testing. Allele origin: germline.
Comment: This sequence change affects a donor splice site in intron 9 of the AGBL5 gene. It is expected to disrupt RNA splicing and likely results in an absent or disrupted protein product. This variant is present in population databases (rs766215295, ExAC 0.002%). This variant has not been reported in the literature in individuals with AGBL5-related conditions. Algorithms developed to predict the effect of sequence changes on RNA splicing suggest that this variant may disrupt the consensus splice site, but this prediction has not been confirmed by published transcriptional studies. Donor and acceptor splice site variants typically lead to a loss of protein function (PMID: 16199547), and loss-of-function variants in AGBL5 are known to be pathogenic (PMID: 27764769, 27842159). In summary, the currently available evidence indicates that the variant is pathogenic, but additional data are needed to prove that conclusively. Therefore, this variant has been classified as Likely Pathogenic.

Literature cited by the submitters: PubMed 16199547; PubMed 27764769; PubMed 27842159.

NM_021831.6(AGBL5):c.1671+2T>C

Gene: AGBL5 (AGBL carboxypeptidase 5; plus strand). Cytogenetic location: 2p23.3.
Variant type: single nucleotide variant.
Coding change: c.1671+2T>C on transcript NM_021831.6 (MANE Select); the canonical splice donor site of the intron after coding-DNA position 1671, T replaced by C.
Molecular consequence: splice donor variant.
Genome position (GRCh38, 1-based): chr2:27,057,440, T>C. VCF-style: chr2-27057440-T-C. GRCh37 (hg19) VCF-style: chr2-27280308-T-C.
Other names: c.1671+2T>C (NM_001035507.3).
Identifiers: ClinVar variation 863679 (VCV000863679.8), dbSNP rs766215295, ClinGen allele CA1567924.